The following is an entry in ClinVar:

NM_000038.6(APC):c.1626+2T>C

Gene: APC (APC regulator of Wnt signaling pathway; plus strand). Cytogenetic location: 5q22.2.
Variant type: single nucleotide variant.
Coding change: c.1626+2T>C on transcript NM_000038.6 (MANE Select); the canonical splice donor site of the intron after coding-DNA position 1626, T replaced by C.
Molecular consequence: splice donor variant.
Genome position (GRCh38, 1-based): chr5:112,828,008, T>C. VCF-style: chr5-112828008-T-C. GRCh37 (hg19) VCF-style: chr5-112163705-T-C.
Other names: c.1596+2T>C (NM_001407452.1); c.1239+2T>C (NM_001407469.1, NM_001407467.1); c.1710+2T>C (NM_001407446.1); c.1656+2T>C (NM_001354897.2); c.1353+2T>C (NM_001354902.2); c.1572+2T>C (NM_001127511.3); c.1680+2T>C (NM_001407448.1, NM_001407449.1, NM_001354896.2 and 1 more transcripts); c.1626+2T>C (NM_001407450.1, NM_001127510.3, NM_001354895.2); and 11 more.
Identifiers: ClinVar variation 537526 (VCV000537526.9), dbSNP rs876658858, ClinGen allele CA360620041.

ClinVar aggregate classification (germline): Likely pathogenic. Review status: criteria provided, multiple submitters, no conflicts (2 of 4 stars). 2 submissions from 2 submitters: Likely pathogenic (2). Last evaluated 2023-07-25.

Conditions:
Familial adenomatous polyposis 1 (FAP1). Also called: FAMILIAL ADENOMATOUS POLYPOSIS 1, ATTENUATED; POLYPOSIS, ADENOMATOUS INTESTINAL. Identifiers: MedGen C2713442, MONDO:0021056, OMIM 175100. Disease mechanism: loss of function.

Submissions (2):

Labcorp Genetics (formerly Invitae), Labcorp
Classification: Likely pathogenic for Familial adenomatous polyposis 1. Last evaluated: 2023-07-25. Review status: criteria provided, single submitter. Criteria: Invitae Variant Classification Sherloc (09022015). Collection method: clinical testing. Allele origin: germline.
Comment: This sequence change affects a donor splice site in intron 13 of the APC gene. It is expected to disrupt RNA splicing. Variants that disrupt the donor or acceptor splice site typically lead to a loss of protein function (PMID: 16199547), and loss-of-function variants in APC are known to be pathogenic (PMID: 17963004, 20685668). This variant is not present in population databases (gnomAD no frequency). This variant has not been reported in the literature in individuals affected with APC-related conditions. ClinVar contains an entry for this variant (Variation ID: 537526). Algorithms developed to predict the effect of sequence changes on RNA splicing suggest that this variant may disrupt the consensus splice site. In summary, the currently available evidence indicates that the variant is pathogenic, but additional data are needed to prove that conclusively. Therefore, this variant has been classified as Likely Pathogenic.

Myriad Genetics, Inc.
Classification: Likely pathogenic for Familial adenomatous polyposis 1. Last evaluated: 2023-05-02. Review status: criteria provided, single submitter. Criteria: Myriad Autosomal Dominant, Autosomal Recessive and X-Linked Classification Criteria (2023). Collection method: clinical testing. Allele origin: unknown.
Comment: This variant is considered likely pathogenic. This variant occurs within a consensus splice junction and is predicted to result in abnormal mRNA splicing of either an out-of-frame exon or an in-frame exon necessary for protein stability and/or normal function.

Literature cited by the submitters: PubMed 16199547 (cited by Labcorp Genetics (formerly Invitae), Labcorp); PubMed 17963004 (cited by Labcorp Genetics (formerly Invitae), Labcorp); PubMed 20685668 (cited by Labcorp Genetics (formerly Invitae), Labcorp).